The following is an entry in ClinVar:

ClinVar aggregate classification (germline): Likely benign. Review status: criteria provided, single submitter (1 of 4 stars). 2 submissions from 2 submitters: Likely benign (1). 1 of the submissions does not count toward it. Last evaluated 2024-02-26.

Conditions:
AUTS2-related disorder. Also called: AUTS2-related condition.

Allele frequency attached by ClinVar (database versions not stated): gnomAD exomes 0.00001; gnomAD 0.00002; ExAC 0.00003; TOPMed 0.00003; 1000 Genomes Project 30x 0.00016; 1000 Genomes Project 0.00020.
gnomAD v4.1: 12 of 1,614,134 alleles (0.00074%); highest among the groups gnomAD compares: East Asian, 0.016%; no homozygotes.

Submissions (2):

Labcorp Genetics (formerly Invitae), Labcorp
Classification: Likely benign. Last evaluated: 2024-02-26. Review status: criteria provided, single submitter. Criteria: Invitae Variant Classification Sherloc (09022015). Collection method: clinical testing. Allele origin: germline.

PreventionGenetics, part of Exact Sciences
Classification: Likely benign for AUTS2-related condition. Last evaluated: 2019-04-25. Review status: no assertion criteria provided. Collection method: clinical testing. Allele origin: germline. Not counted in ClinVar's aggregate classification.
Comment: This variant is classified as likely benign based on ACMG/AMP sequence variant interpretation guidelines (Richards et al. 2015 PMID: 25741868, with internal and published modifications).

NM_015570.4(AUTS2):c.852T>C (p.Cys284=)

Gene: AUTS2 (activator of transcription and developmental regulator AUTS2; plus strand). Cytogenetic location: 7q11.22.
Variant type: single nucleotide variant.
Coding change: c.852T>C on transcript NM_015570.4 (MANE Select); coding-DNA position 852, T replaced by C.
Protein change: p.Cys284=; no amino-acid change (cysteine 284 retained).
Molecular consequence: synonymous variant.
Genome position (GRCh38, 1-based): chr7:70,762,979, T>C. VCF-style: chr7-70762979-T-C. GRCh37 (hg19) VCF-style: chr7-70227965-T-C.
Other names: c.852T>C (NM_015570.3); c.852T>C, p.Cys284= (NM_001127231.3).
Identifiers: ClinVar variation 2916007 (VCV002916007.5), dbSNP rs548185347, ClinGen allele CA4280501.